The following is an entry in ClinVar:

ClinVar aggregate classification (germline): Uncertain significance. Review status: criteria provided, multiple submitters, no conflicts (2 of 4 stars). 2 submissions from 2 submitters: Uncertain significance (2). Last evaluated 2024-09-23.

Conditions:
Inborn genetic diseases. Identifiers: MedGen C0950123, MeSH D030342.
TH-deficient dopa-responsive dystonia. Also called: Tyrosine Hydroxylase-Deficient Dopa-Responsive Dystonia; Segawa syndrome, autosomal recessive; DYT-TH. Identifiers: Orphanet 101150, MedGen C2673535, MONDO:0011551, OMIM 605407.

Allele frequency attached by ClinVar (database versions not stated): gnomAD exomes 0.00001; gnomAD 0.00002 and 0.00004; TOPMed 0.00003; ESP Exome Variant Server 0.00008.
gnomAD v4.1: 8 of 1,593,994 alleles (0.0005%); highest among the groups gnomAD compares: African/African-American, 0.008%; no homozygotes.

Submissions (2):

Labcorp Genetics (formerly Invitae), Labcorp
Classification: Uncertain significance for TH-deficient dopa-responsive dystonia. Last evaluated: 2024-09-23. Review status: criteria provided, single submitter. Criteria: Invitae Variant Classification Sherloc (09022015). Collection method: clinical testing. Allele origin: germline.
Comment: This sequence change replaces glutamic acid, which is acidic and polar, with valine, which is neutral and non-polar, at codon 284 of the TH protein (p.Glu284Val). The frequency data for this variant in the population databases is considered unreliable, as metrics indicate poor data quality at this position in the gnomAD database. This variant has not been reported in the literature in individuals affected with TH-related conditions. ClinVar contains an entry for this variant (Variation ID: 1346759). Invitae Evidence Modeling of protein sequence and biophysical properties (such as structural, functional, and spatial information, amino acid conservation, physicochemical variation, residue mobility, and thermodynamic stability) has been performed for this missense variant. However, the output from this modeling did not meet the statistical confidence thresholds required to predict the impact of this variant on TH protein function. In summary, the available evidence is currently insufficient to determine the role of this variant in disease. Therefore, it has been classified as a Variant of Uncertain Significance.

Ambry Genetics
Classification: Uncertain significance for Inborn genetic diseases. Last evaluated: 2024-01-23. Review status: criteria provided, single submitter. Criteria: Ambry Variant Classification Scheme 2023. Collection method: clinical testing. Allele origin: germline.

NM_000360.4(TH):c.758A>T (p.Glu253Val)

Gene: TH (tyrosine hydroxylase; minus strand). Cytogenetic location: 11p15.5.
Variant type: single nucleotide variant.
Coding change: c.758A>T on transcript NM_000360.4 (MANE Select); coding-DNA position 758, A replaced by T.
Protein change: p.Glu253Val; replaces glutamic acid 253 with valine.
Molecular consequence: missense variant.
Genome position (GRCh38, 1-based): chr11:2,166,970, T>A on the plus strand (A>T on the coding strand, the complement: TH is on the minus strand). VCF-style: chr11-2166970-T-A. GRCh37 (hg19) VCF-style: chr11-2188200-T-A.
Other names: c.851A>T, p.Glu284Val (NM_199292.3); c.839A>T, p.Glu280Val (NM_199293.3); c.851A>T (NM_199292.2); short protein forms E280V, E284V, E253V.
Identifiers: ClinVar variation 1346759 (VCV001346759.5), dbSNP rs369397659, ClinGen allele CA5818499.